The following is an entry in ClinVar:

ClinVar aggregate classification (germline): Uncertain significance (1 of 4 stars; one submission).

Conditions:
Fanconi anemia (FA). Also called: Fanconi's anemia. Identifiers: Orphanet 84, MedGen C0015625, MeSH D005199, MONDO:0019391.

Allele frequency attached by ClinVar (database versions not stated): gnomAD 0.00001.
gnomAD v4.1: 1 of 1,614,146 alleles (0.000062%); highest among the groups gnomAD compares: Admixed American, 0.0017%; no homozygotes.

Submission:

Labcorp Genetics (formerly Invitae), Labcorp
Classification: Uncertain significance for Fanconi anemia. Last evaluated: 2021-08-26. Review status: criteria provided, single submitter. Criteria: Invitae Variant Classification Sherloc (09022015). Collection method: clinical testing. Allele origin: germline.
Comment: This sequence change replaces leucine with proline at codon 15 of the FANCL protein (p.Leu15Pro). The leucine residue is highly conserved and there is a moderate physicochemical difference between leucine and proline. This variant is not present in population databases (ExAC no frequency). This variant has not been reported in the literature in individuals affected with FANCL-related conditions. Algorithms developed to predict the effect of missense changes on protein structure and function (SIFT, PolyPhen-2, Align-GVGD) all suggest that this variant is likely to be disruptive. In summary, the available evidence is currently insufficient to determine the role of this variant in disease. Therefore, it has been classified as a Variant of Uncertain Significance.

NM_018062.4(FANCL):c.44T>C (p.Leu15Pro)

Gene: FANCL (FA complementation group L; minus strand). Cytogenetic location: 2p16.1.
Variant type: single nucleotide variant.
Coding change: c.44T>C on transcript NM_018062.4 (MANE Select); coding-DNA position 44, T replaced by C.
Protein change: p.Leu15Pro; replaces leucine 15 with proline.
Molecular consequence: missense variant.
Genome position (GRCh38, 1-based): chr2:58,241,270, A>G on the plus strand (T>C on the coding strand, the complement: FANCL is on the minus strand). VCF-style: chr2-58241270-A-G. GRCh37 (hg19) VCF-style: chr2-58468405-A-G.
Other names: c.44T>C, p.Leu15Pro (NM_001114636.2, NM_001374615.1, NM_001410792.1); short protein forms L15P.
Identifiers: ClinVar variation 954129 (VCV000954129.7), dbSNP rs1694519859, ClinGen allele CA347035146.